The following is an entry in ClinVar:

NM_017763.6(RNF43):c.*9G>C

Gene: RNF43 (ring finger protein 43; minus strand). Cytogenetic location: 17q22.
Variant type: single nucleotide variant.
Coding change: c.*9G>C on transcript NM_017763.6 (MANE Select); 9 bases downstream of the stop codon, G replaced by C.
Molecular consequence: 3 prime UTR variant.
Genome position (GRCh38, 1-based): chr17:58,354,934, C>G on the plus strand (G>C on the coding strand, the complement: RNF43 is on the minus strand). VCF-style: chr17-58354934-C-G. GRCh37 (hg19) VCF-style: chr17-56432295-C-G.
Other names: c.*9G>C (NM_001305544.3, NM_001305545.2, NM_001438822.1).
Identifiers: ClinVar variation 5042369 (VCV005042369.1).

ClinVar aggregate classification (germline): Benign (1 of 4 stars; one submission).

Conditions:
Sessile serrated polyposis cancer syndrome (SSPCS). Identifiers: Orphanet 157798, MedGen C4310714, MONDO:0014919, OMIM 617108.

gnomAD v4.1: 5 of 1,613,722 alleles (0.00031%); highest among the groups gnomAD compares: Non-Finnish European, 0.00042%; no homozygotes.

Submission:

Myriad Genetics, Inc.
Classification: Benign for Sessile serrated polyposis cancer syndrome. Last evaluated: 2026-07-02. Review status: criteria provided, single submitter. Criteria: Myriad Autosomal Dominant, Autosomal Recessive and X-Linked Classification Criteria (2023). Collection method: clinical testing. Allele origin: unknown.
Comment: This variant is considered benign. This variant occurs in the non-coding 3' untranslated region of the gene, and is not expected to impact protein function.